The following is an entry in ClinVar:

NC_012920.1(MT-ATP6):m.9191T>C

Gene: MT-ATP6 (mitochondrially encoded ATP synthase 6; plus strand).
Variant type: single nucleotide variant.
Genome position: chrM-9191-T-C.
Identifiers: ClinVar variation 40153 (VCV000040153.9), dbSNP rs1556423632, ClinGen allele CA345914.

ClinVar aggregate classification (germline): Likely pathogenic. Review status: reviewed by expert panel (3 of 4 stars). 2 submissions from 2 submitters: Likely pathogenic (1). 1 of the submissions does not count toward it. Last evaluated 2022-03-24.

Conditions:
Mitochondrial disease. Also called: Mitochondrial disorder; Mitochondrial disorders. Identifiers: Orphanet 68380, MedGen C0751651, MeSH D028361, MONDO:0044970.
Leigh syndrome (NULS). Also called: Leigh's necrotizing encephalopathy; Leigh's disease; Subacute necrotizing encephalopathy; Necrotizing encephalopathy infantile subacute of Leigh; Leigh Disease; LEIGH SYNDROME, NUCLEAR. Identifiers: Orphanet 506, MedGen C2931891, MONDO:0009723, OMIM 256000.

Submissions (2):

ClinGen Mitochondrial Disease Nuclear and Mitochondrial  Variant Curation Expert Panel, ClinGen
Classification: Likely pathogenic for Mitochondrial disease. Last evaluated: 2022-03-24. Review status: reviewed by expert panel. Criteria: clingen mito disease acmg specifications v1-1. Collection method: curation. Allele origin: germline. Inheritance: Mitochondrial inheritance.
Comment: The m.9191T>C (p.L222P) variant in MT-ATP6 has been reported once in the literature (PMID: 16217706, patient 2) in an individual with Leigh syndrome (94% heteroplasmy in muscle and 90% in fibroblasts; only testing done was MT-ATP6 and MT-ATP8 sequencing). This does not meet criteria for PS4_supporting which requires at least two unrelated affected individuals. This variant occurred de novo in this individual (absent in blood from mother and sister; PM6_supporting, PMID: 16217706). There are no large families reported in the literature to consider for evidence of segregation. This variant is absent in the GenBank dataset, Helix dataset, and gnomAD v3.1.2 (PM2_supporting). The computational predictor APOGEE gives a consensus rating of pathogenic with a score of 0.75 (Min=0, Max=1), which predicts a damaging effect on gene function (PP3). Yeast model showed (1) failure to grow on glycerol (indicating at least an 80% reduction in ATP synthase activity/function), (2) 67-85% decrease in oxygen consumption, (3) <10% of control ATP synthesis, and (4) impaired ATPase assembly (PS3_supporting, PMID: 24316278). This variant meets criteria to be classified as uncertain significance however, after extensive discussion, this Expert Panel elected to modify the classification to likely pathogenic given consistent functional evidence of severe deleterious effect and rare nature of the variant, as well as being absent in healthy cohorts even at low heteroplasmy levels. In summary, this variant is classified as likely pathogenic for primary mitochondrial disease inherited in a mitochondrial manner. This classification was approved by the NICHD/NINDS U24 Mitochondrial Disease Variant Curation Expert Panel on January 10, 2022. Mitochondrial DNA-specific ACMG/AMP criteria applied: PS3_supporting, PM2_supporting, PM6_supporting, PP3.

GeneReviews
No classification provided. Condition: Leigh syndrome. Review status: no classification provided. Collection method: literature only. Allele origin: germline. Not counted in ClinVar's aggregate classification.

Literature cited by the submitters: PubMed 24316278 (cited by ClinGen Mitochondrial Disease Nuclear and Mitochondrial  Variant Curation Expert Panel, ClinGen); NCBI Bookshelf NBK1173 (cited by GeneReviews).